The following is an entry in ClinVar:

NM_012210.4(TRIM32):c.678C>A (p.Tyr226Ter)

Genes: ASTN2 (astrotactin 2; minus strand), TRIM32 (tripartite motif containing 32; plus strand). Cytogenetic location: 9q33.1.
Variant type: single nucleotide variant.
Coding change: c.678C>A on transcript NM_012210.4 (MANE Select); coding-DNA position 678, C replaced by A.
Protein change: p.Tyr226Ter; replaces tyrosine 226 with a stop codon.
Molecular consequence: nonsense. On other transcripts: intron variant (3).
Genome position (GRCh38, 1-based): chr9:116,698,420, C>A. VCF-style: chr9-116698420-C-A. GRCh37 (hg19) VCF-style: chr9-119460699-C-A.
Other names: c.678C>A, p.Tyr226Ter (NM_001099679.2, NM_001379048.1, NM_001379049.1 and 1 more transcripts); c.2653+27351G>T (NM_014010.5); c.2794+27351G>T (NM_001365069.1); c.2806+27351G>T (NM_001365068.1); short protein forms Y226*.
Identifiers: ClinVar variation 851055 (VCV000851055.6), dbSNP rs398124253, ClinGen allele CA374649411.

ClinVar aggregate classification (germline): Pathogenic/Likely pathogenic. Review status: criteria provided, multiple submitters, no conflicts (2 of 4 stars). 2 submissions from 2 submitters: Pathogenic (1); Likely pathogenic (1). Last evaluated 2025-07-30.

Conditions:
TRIM32-related disorder. Also called: TRIM32-related condition.
Bardet-Biedl syndrome (BBS). Identifiers: Orphanet 110, MedGen C0752166, MONDO:0015229.

Allele frequency attached by ClinVar (database versions not stated): gnomAD exomes 0.00001.
gnomAD v4.1: 2 of 1,614,122 alleles (0.00012%); highest among the groups gnomAD compares: Admixed American, 0.0033%; no homozygotes.

Submissions (2):

Labcorp Genetics (formerly Invitae), Labcorp
Classification: Pathogenic for Bardet-Biedl syndrome. Last evaluated: 2025-07-30. Review status: criteria provided, single submitter. Criteria: Invitae Variant Classification Sherloc (09022015). Collection method: clinical testing. Allele origin: germline.
Comment: This sequence change creates a premature translational stop signal (p.Tyr226*) in the TRIM32 gene. While this is not anticipated to result in nonsense mediated decay, it is expected to disrupt the last 428 amino acid(s) of the TRIM32 protein. This variant is present in population databases (no rsID available, gnomAD 0.006%). This variant has not been reported in the literature in individuals affected with TRIM32-related conditions. ClinVar contains an entry for this variant (Variation ID: 851055). This variant disrupts a region of the TRIM32 protein in which other variant(s) (p.Met370Cysfs*10) have been determined to be pathogenic (internal data). This suggests that this is a clinically significant region of the protein, and that variants that disrupt it are likely to be disease-causing. For these reasons, this variant has been classified as Pathogenic.

Blueprint Genetics
Classification: Likely pathogenic for TRIM32-related disorders. Last evaluated: 2022-03-06. Review status: criteria provided, single submitter. Criteria: ACMG Guidelines, 2015. Collection method: clinical testing. Allele origin: germline. Affected: yes. Observed: 1 variant allele.